The following is an entry in ClinVar:

NM_000153.4(GALC):c.1392C>A (p.Phe464Leu)

Gene: GALC (galactosylceramidase; minus strand). Cytogenetic location: 14q31.3.
Variant type: single nucleotide variant.
Coding change: c.1392C>A on transcript NM_000153.4 (MANE Select); coding-DNA position 1392, C replaced by A.
Protein change: p.Phe464Leu; replaces phenylalanine 464 with leucine.
Molecular consequence: missense variant.
Genome position (GRCh38, 1-based): chr14:87,947,825, G>T on the plus strand (C>A on the coding strand, the complement: GALC is on the minus strand). VCF-style: chr14-87947825-G-T. GRCh37 (hg19) VCF-style: chr14-88414169-G-T.
Other names: c.1323C>A, p.Phe441Leu (NM_001201401.2); c.1314C>A, p.Phe438Leu (NM_001201402.2); short protein forms F438L, F441L, F464L.
Identifiers: ClinVar variation 990187 (VCV000990187.9), dbSNP rs1313792705, ClinGen allele CA390746565.

ClinVar aggregate classification (germline): Uncertain significance. Review status: criteria provided, single submitter (1 of 4 stars). 2 submissions from 2 submitters: Uncertain significance (1). 1 of the submissions does not count toward it. Last evaluated 2024-01-02.

Conditions:
Galactosylceramide beta-galactosidase deficiency. Also called: Krabbe Disease; GALACTOCEREBROSIDASE DEFICIENCY; GALC DEFICIENCY; GLOBOID CELL LEUKOENCEPHALOPATHY; Leukodystrophy, Globoid Cell. Identifiers: Orphanet 487, MedGen C0023521, MONDO:0009499, OMIM 245200.

Allele frequency attached by ClinVar (database versions not stated): gnomAD exomes below 0.00001.
gnomAD v4.1: 1 of 1,612,676 alleles (0.000062%); highest among the groups gnomAD compares: Admixed American, 0.0017%; no homozygotes.

Submissions (2):

Labcorp Genetics (formerly Invitae), Labcorp
Classification: Uncertain significance for Galactosylceramide beta-galactosidase deficiency. Last evaluated: 2024-01-02. Review status: criteria provided, single submitter. Criteria: Invitae Variant Classification Sherloc (09022015). Collection method: clinical testing. Allele origin: germline.
Comment: This sequence change replaces phenylalanine, which is neutral and non-polar, with leucine, which is neutral and non-polar, at codon 464 of the GALC protein (p.Phe464Leu). This variant is present in population databases (no rsID available, gnomAD 0.003%). This variant has not been reported in the literature in individuals affected with GALC-related conditions. ClinVar contains an entry for this variant (Variation ID: 990187). Advanced modeling of protein sequence and biophysical properties (such as structural, functional, and spatial information, amino acid conservation, physicochemical variation, residue mobility, and thermodynamic stability) has been performed at Invitae for this missense variant, however the output from this modeling did not meet the statistical confidence thresholds required to predict the impact of this variant on GALC protein function. In summary, the available evidence is currently insufficient to determine the role of this variant in disease. Therefore, it has been classified as a Variant of Uncertain Significance.

Natera, Inc.
Classification: Uncertain significance for Galactosylceramide beta-galactosidase deficiency. Last evaluated: 2020-04-18. Review status: no assertion criteria provided. Collection method: clinical testing. Allele origin: germline. Not counted in ClinVar's aggregate classification.